The following is an entry in ClinVar:

ClinVar aggregate classification (germline): Uncertain significance (1 of 4 stars; one submission).

gnomAD v4.1: 11 of 1,613,588 alleles (0.00068%); highest among the groups gnomAD compares: East Asian, 0.0089%; no homozygotes.

Submission:

Labcorp Genetics (formerly Invitae), Labcorp
Classification: Uncertain significance. Last evaluated: 2025-08-03. Review status: criteria provided, single submitter. Criteria: Invitae Variant Classification Sherloc (09022015). Collection method: clinical testing. Allele origin: germline.
Comment: This sequence change replaces arginine, which is basic and polar, with histidine, which is basic and polar, at codon 491 of the GRM1 protein (p.Arg491His). This variant is present in population databases (rs764264066, gnomAD 0.02%). This variant has not been reported in the literature in individuals affected with GRM1-related conditions. An algorithm developed to predict the effect of missense changes on protein structure and function (PolyPhen-2) suggests that this variant is likely to be tolerated. In summary, the available evidence is currently insufficient to determine the role of this variant in disease. Therefore, it has been classified as a Variant of Uncertain Significance.

NM_001278064.2(GRM1):c.1472G>A (p.Arg491His)

Gene: GRM1 (glutamate metabotropic receptor 1; plus strand). Cytogenetic location: 6q24.3.
Variant type: single nucleotide variant.
Coding change: c.1472G>A on transcript NM_001278064.2 (MANE Select); coding-DNA position 1472, G replaced by A.
Protein change: p.Arg491His; replaces arginine 491 with histidine.
Molecular consequence: missense variant.
Genome position (GRCh38, 1-based): chr6:146,357,564, G>A. VCF-style: chr6-146357564-G-A. GRCh37 (hg19) VCF-style: chr6-146678700-G-A.
Other names: c.1472G>A, p.Arg491His (NM_001278065.2, NM_001278066.1, NM_001278067.1); short protein forms R491H.
Identifiers: ClinVar variation 4694869 (VCV004694869.1).